The following is an entry in ClinVar:

NM_022455.5(NSD1):c.2815_2817dup (p.Pro939_Gly940insPro)

Gene: NSD1 (nuclear receptor binding SET domain protein 1; plus strand). Cytogenetic location: 5q35.3.
Variant type: Duplication.
Coding change: c.2815_2817dup on transcript NM_022455.5 (MANE Select); coding-DNA positions 2815 to 2817, 3 bases duplicated (CCT; older notation c.2815_2817dupCCT).
Protein change: p.Pro939_Gly940insPro.
Molecular consequence: inframe insertion. On other transcripts: inframe indel (12).
Genome position (GRCh38, 1-based): chr5:177,211,214-177,211,216, CCT duplicated; duplicating any 3 consecutive bases within chr5:177,211,213-177,211,216 gives the same sequence; the c. name uses the placement nearest the transcript's 3' end. VCF-style (leftmost placement, unchanged base first): chr5-177211212-G-GTCC. GRCh37 (hg19) VCF-style: chr5-176638213-G-GTCC.
Other names: c.1942_1944dup, p.Pro648_Gly649insPro (NM_001365684.2, NM_001409306.1, NM_001409307.1 and 3 more transcripts); c.2815_2817dup, p.Pro939_Gly940insPro (NM_001409301.1, NM_001409302.1, NM_001409303.1); c.2395_2397dup, p.Pro799_Gly800insPro (NM_001409304.1); c.2062_2064dup, p.Pro688_Gly689insPro (NM_001409305.1); c.2815_2817dupCCT (NM_022455.4).
Identifiers: ClinVar variation 2297666 (VCV002297666.2), dbSNP rs2480458427, ClinGen allele CA2580074122.

ClinVar aggregate classification (germline): Uncertain significance (1 of 4 stars; one submission).

Conditions:
Inborn genetic diseases. Identifiers: MedGen C0950123, MeSH D030342.

Submission:

Ambry Genetics
Classification: Uncertain significance for Inborn genetic diseases. Last evaluated: 2022-07-25. Review status: criteria provided, single submitter. Criteria: Ambry Variant Classification Scheme 2023. Collection method: clinical testing. Allele origin: germline.
Comment: The c.2815_2817dupCCT (p.P939dup) alteration is located in exon 5 (coding exon 4) of the NSD1 gene. The alteration consists of an in-frame duplication of 3 nucleotides from position 2815 to 2817, resulting in the duplication of <NA> residues. Based on insufficient or conflicting evidence, the clinical significance of this alteration remains unclear.